The following is an entry in ClinVar:

NM_001042424.3(NSD2):c.1588_1589dup (p.Ile532fs)

Gene: NSD2 (nuclear receptor binding SET domain protein 2; plus strand). Cytogenetic location: 4p16.3.
Variant type: Duplication.
Coding change: c.1588_1589dup on transcript NM_001042424.3 (MANE Select); coding-DNA positions 1588 to 1589, 2 bases duplicated (AA; older notation c.1588_1589dupAA).
Protein change: p.Ile532fs; shifts the reading frame from isoleucine 532.
Molecular consequence: frameshift variant.
Genome position (GRCh38, 1-based): chr4:1,935,176-1,935,177, AA duplicated; duplicating any 2 consecutive bases within chr4:1,935,175-1,935,177 gives the same sequence; the c. name uses the placement nearest the transcript's 3' end. VCF-style (leftmost placement, unchanged base first): chr4-1935174-C-CAA. GRCh37 (hg19) VCF-style: chr4-1936901-C-CAA.
Other names: c.1588_1589dupAA (NM_133330.2); c.1588_1589dup, p.Ile532fs (NM_007331.2, NM_133330.3, NM_133331.3 and 1 more transcripts); c.1588_1589dup, p.Ile532Glyfs (NM_133334.3); short protein forms I532fs.
Identifiers: ClinVar variation 545939 (VCV000545939.2), dbSNP rs1553872623, ClinGen allele CA658822596.

ClinVar aggregate classification (germline): Pathogenic (1 of 4 stars; one submission).

Submission:

GeneDx
Classification: Pathogenic. Last evaluated: 2020-06-12. Review status: criteria provided, single submitter. Criteria: GeneDx Variant Classification Process June 2021. Collection method: clinical testing. Allele origin: germline. Affected: yes.
Comment: Frameshift variant predicted to result in protein truncation or nonsense mediated decay in a gene for which loss-of-function is a known mechanism of disease; Not observed in large population cohorts (Lek et al., 2016); Has not been previously published as pathogenic or benign to our knowledge